The following is an entry in ClinVar:

NM_001018113.3(FANCB):c.1243A>C (p.Lys415Gln)

Gene: FANCB (FA complementation group B; minus strand). Cytogenetic location: Xp22.2.
Variant type: single nucleotide variant.
Coding change: c.1243A>C on transcript NM_001018113.3 (MANE Select); coding-DNA position 1243, A replaced by C.
Protein change: p.Lys415Gln; replaces lysine 415 with glutamine.
Molecular consequence: missense variant.
Genome position (GRCh38, 1-based): chrX:14,853,122, T>G on the plus strand (A>C on the coding strand, the complement: FANCB is on the minus strand). VCF-style: chrX-14853122-T-G. GRCh37 (hg19) VCF-style: chrX-14871244-T-G.
Other names: c.1243A>C, p.Lys415Gln (NM_001324162.2, NM_001410764.1, NM_152633.4); short protein forms K415Q.
Identifiers: ClinVar variation 3692287 (VCV003692287.2).
Genomic context (GRCh38, chrX:14,853,122, plus strand): 5'-CATCTTTTCCTTGAACTAGGTTTATTAAAGCTTTGTAAGATTTTGAAATAATTTTTTCCT[T>G]AAGCAACAGATGCTGCCGTAATTCCCGAAAAGAAGAAAAACAAACCTGTAAAGTAGAAAG-3'
Protein context (NP_001018123.1, residues 405-425): FRELRQHLLL[Lys415Gln]EKIISKSYKA

ClinVar aggregate classification (germline): Uncertain significance (1 of 4 stars; one submission).

Conditions:
Fanconi anemia (FA). Also called: Fanconi's anemia. Identifiers: Orphanet 84, MedGen C0015625, MeSH D005199, MONDO:0019391.

Submission:

Labcorp Genetics (formerly Invitae), Labcorp
Classification: Uncertain significance for Fanconi anemia. Last evaluated: 2024-08-31. Review status: criteria provided, single submitter. Criteria: Invitae Variant Classification Sherloc (09022015). Collection method: clinical testing. Allele origin: germline.
Comment: This sequence change replaces lysine, which is basic and polar, with glutamine, which is neutral and polar, at codon 415 of the FANCB protein (p.Lys415Gln). This variant is not present in population databases (gnomAD no frequency). This variant has not been reported in the literature in individuals affected with FANCB-related conditions. Invitae Evidence Modeling of protein sequence and biophysical properties (such as structural, functional, and spatial information, amino acid conservation, physicochemical variation, residue mobility, and thermodynamic stability) indicates that this missense variant is not expected to disrupt FANCB protein function with a negative predictive value of 80%. In summary, the available evidence is currently insufficient to determine the role of this variant in disease. Therefore, it has been classified as a Variant of Uncertain Significance.